The following is an entry in ClinVar:

NM_000384.3(APOB):c.9276G>T (p.Arg3092Ser)

Gene: APOB (apolipoprotein B; minus strand). Cytogenetic location: 2p24.1.
Variant type: single nucleotide variant.
Coding change: c.9276G>T on transcript NM_000384.3 (MANE Select); coding-DNA position 9276, G replaced by T.
Protein change: p.Arg3092Ser; replaces arginine 3092 with serine.
Molecular consequence: missense variant.
Genome position (GRCh38, 1-based): chr2:21,007,592, C>A on the plus strand (G>T on the coding strand, the complement: APOB is on the minus strand). VCF-style: chr2-21007592-C-A. GRCh37 (hg19) VCF-style: chr2-21230464-C-A.
Other names: short protein forms R3092S.
Identifiers: ClinVar variation 1766402 (VCV001766402.3), dbSNP rs148951610, ClinGen allele CA345990663.

ClinVar aggregate classification (germline): Uncertain significance (1 of 4 stars; one submission).

Conditions:
Cardiovascular phenotype. Identifiers: MedGen CN230736.

gnomAD v4.1: 2 of 1,614,058 alleles (0.00012%); highest among the groups gnomAD compares: South Asian, 0.0011%; no homozygotes.

Submission:

Ambry Genetics
Classification: Uncertain significance for Cardiovascular phenotype. Last evaluated: 2025-08-20. Review status: criteria provided, single submitter. Criteria: Ambry Variant Classification Scheme 2023. Collection method: clinical testing. Allele origin: germline.
Comment: The p.R3092S variant (also known as c.9276G>T), located in coding exon 26 of the APOB gene, results from a G to T substitution at nucleotide position 9276. The arginine at codon 3092 is replaced by serine, an amino acid with dissimilar properties. This amino acid position is highly conserved in available vertebrate species. In addition, this alteration is predicted to be tolerated by in silico analysis. Since supporting evidence is limited at this time, the clinical significance of this alteration remains unclear.